The following is an entry in ClinVar:

ClinVar aggregate classification (germline): Uncertain significance (1 of 4 stars; one submission).

Allele frequency attached by ClinVar (database versions not stated): gnomAD 0.00002.
gnomAD v4.1: 13 of 1,614,024 alleles (0.00081%); highest among the groups gnomAD compares: Non-Finnish European, 0.0011%; no homozygotes.

Submission:

Labcorp Genetics (formerly Invitae), Labcorp
Classification: Uncertain significance. Last evaluated: 2022-04-07. Review status: criteria provided, single submitter. Criteria: Invitae Variant Classification Sherloc (09022015). Collection method: clinical testing. Allele origin: germline.
Comment: This sequence change replaces arginine, which is basic and polar, with lysine, which is basic and polar, at codon 24 of the ACBD5 protein (p.Arg24Lys). The frequency data for this variant in the population databases is considered unreliable, as metrics indicate poor data quality at this position in the gnomAD database. This variant has not been reported in the literature in individuals affected with ACBD5-related conditions. Algorithms developed to predict the effect of missense changes on protein structure and function (SIFT, PolyPhen-2, Align-GVGD) all suggest that this variant is likely to be tolerated. In summary, the available evidence is currently insufficient to determine the role of this variant in disease. Therefore, it has been classified as a Variant of Uncertain Significance.

NM_145698.5(ACBD5):c.71G>A (p.Arg24Lys)

Genes: ACBD5 (acyl-CoA binding domain containing 5; minus strand), LOC130003557 (ATAC-STARR-seq lymphoblastoid active region 3182; plus strand). Cytogenetic location: 10p12.1.
Variant type: single nucleotide variant.
Coding change: c.71G>A on transcript NM_145698.5 (MANE Select); coding-DNA position 71, G replaced by A.
Protein change: p.Arg24Lys; replaces arginine 24 with lysine.
Molecular consequence: missense variant. On other transcripts: 5 prime UTR variant (16).
Genome position (GRCh38, 1-based): chr10:27,240,429, C>T on the plus strand (G>A on the coding strand, the complement: ACBD5 is on the minus strand). VCF-style: chr10-27240429-C-T. GRCh37 (hg19) VCF-style: chr10-27529358-C-T.
Other names: c.-35G>A (NM_001042473.4, NM_001352574.2, NM_001352575.2 and 6 more transcripts); c.65G>A, p.Arg22Lys (NM_001271512.3, NM_001352571.1, NM_001352586.1 and 1 more transcripts); c.-136G>A (NM_001301251.2, NM_001301252.2, NM_001301253.2 and 4 more transcripts); c.92G>A, p.Arg31Lys (NM_001352568.1, NM_001352572.1); c.71G>A, p.Arg24Lys (NM_001352569.1, NM_001352570.1, NM_001352573.1 and 2 more transcripts); short protein forms R22K, R24K, R31K.
Identifiers: ClinVar variation 1966613 (VCV001966613.2), dbSNP rs779034551, ClinGen allele CA5451040.